The following is an entry in ClinVar:

NM_000260.4(MYO7A):c.5347G>A (p.Asp1783Asn)

Gene: MYO7A (myosin VIIA; plus strand). Cytogenetic location: 11q13.5.
Variant type: single nucleotide variant.
Coding change: c.5347G>A on transcript NM_000260.4 (MANE Select); coding-DNA position 5347, G replaced by A.
Protein change: p.Asp1783Asn; replaces aspartic acid 1783 with asparagine.
Molecular consequence: missense variant.
Genome position (GRCh38, 1-based): chr11:77,204,096, G>A. VCF-style: chr11-77204096-G-A. GRCh37 (hg19) VCF-style: chr11-76915141-G-A.
Other names: c.5200G>A, p.Asp1734Asn (NM_001369365.1); c.5233G>A, p.Asp1745Asn (NM_001127180.2); short protein forms D1734N, D1745N, D1783N.
Identifiers: ClinVar variation 3711868 (VCV003711868.2).
Genomic context (GRCh38, chr11:77,204,096, plus strand): 5'-TCCCTCTATTCGGCACAAGCCCTTCCTTGACAGTCCCCAGCTGTGCTCAAGTACATGGGC[G>A]ACTACCCGTCCAAGAGGACACGCTCCGTCAACGAGCTCACCGACCAGATCTTTGAGGGTC-3'
Protein context (NP_000251.3, residues 1773-1793): AFIAVLKYMG[Asp1783Asn]YPSKRTRSVN

ClinVar aggregate classification (germline): Uncertain significance (1 of 4 stars; one submission).

gnomAD v4.1: 10 of 1,601,346 alleles (0.00062%); highest among the groups gnomAD compares: African/African-American, 0.004%; no homozygotes.

Submission:

Labcorp Genetics (formerly Invitae), Labcorp
Classification: Uncertain significance. Last evaluated: 2025-03-04. Review status: criteria provided, single submitter. Criteria: Invitae Variant Classification Sherloc (09022015). Collection method: clinical testing. Allele origin: germline.
Comment: This sequence change replaces aspartic acid, which is acidic and polar, with asparagine, which is neutral and polar, at codon 1783 of the MYO7A protein (p.Asp1783Asn). The frequency data for this variant in the population databases is considered unreliable, as metrics indicate poor data quality at this position in the gnomAD database. This variant has not been reported in the literature in individuals affected with MYO7A-related conditions. Invitae Evidence Modeling of protein sequence and biophysical properties (such as structural, functional, and spatial information, amino acid conservation, physicochemical variation, residue mobility, and thermodynamic stability) indicates that this missense variant is expected to disrupt MYO7A protein function with a positive predictive value of 95%. In summary, the available evidence is currently insufficient to determine the role of this variant in disease. Therefore, it has been classified as a Variant of Uncertain Significance.